The following is an entry in ClinVar:

NM_004260.4(RECQL4):c.952A>G (p.Arg318Gly)

Gene: RECQL4 (RecQ like helicase 4; minus strand). Cytogenetic location: 8q24.3.
Variant type: single nucleotide variant.
Coding change: c.952A>G on transcript NM_004260.4 (MANE Select); coding-DNA position 952, A replaced by G.
Protein change: p.Arg318Gly; replaces arginine 318 with glycine.
Molecular consequence: missense variant.
Genome position (GRCh38, 1-based): chr8:144,516,167, T>C on the plus strand (A>G on the coding strand, the complement: RECQL4 is on the minus strand). VCF-style: chr8-144516167-T-C. GRCh37 (hg19) VCF-style: chr8-145741551-T-C.
Other names: c.952A>G (NM_004260.3); short protein forms R318G.
Identifiers: ClinVar variation 1410715 (VCV001410715.7), dbSNP rs2130719127, ClinGen allele CA372688566.

ClinVar aggregate classification (germline): Uncertain significance. Review status: criteria provided, multiple submitters, no conflicts (2 of 4 stars). 2 submissions from 2 submitters: Uncertain significance (2). Last evaluated 2025-06-10.

Conditions:
Baller-Gerold syndrome (BGS). Also called: CRANIOSYNOSTOSIS WITH RADIAL DEFECTS. Identifiers: Orphanet 1225, MedGen C0265308, MONDO:0009039, OMIM 218600.
Inborn genetic diseases. Identifiers: MedGen C0950123, MeSH D030342.

Allele frequency attached by ClinVar (database versions not stated): gnomAD exomes below 0.00001.
gnomAD v4.1: 1 of 1,613,444 alleles (0.000062%); highest among the groups gnomAD compares: South Asian, 0.0011%; no homozygotes.

Submissions (2):

Ambry Genetics
Classification: Uncertain significance for Inborn genetic diseases. Last evaluated: 2025-06-10. Review status: criteria provided, single submitter. Criteria: Ambry Variant Classification Scheme 2023. Collection method: clinical testing. Allele origin: germline.
Comment: The p.R318G variant (also known as c.952A>G), located in coding exon 5 of the RECQL4 gene, results from an A to G substitution at nucleotide position 952. The arginine at codon 318 is replaced by glycine, an amino acid with dissimilar properties. This amino acid position is conserved. In addition, the in silico prediction for this alteration is inconclusive. Based on the available evidence, the clinical significance of this variant remains unclear.

Labcorp Genetics (formerly Invitae), Labcorp
Classification: Uncertain significance for Baller-Gerold syndrome. Last evaluated: 2021-08-11. Review status: criteria provided, single submitter. Criteria: Invitae Variant Classification Sherloc (09022015). Collection method: clinical testing. Allele origin: germline.
Comment: This sequence change replaces arginine with glycine at codon 318 of the RECQL4 protein (p.Arg318Gly). The arginine residue is moderately conserved and there is a moderate physicochemical difference between arginine and glycine. This variant is not present in population databases (ExAC no frequency). This variant has not been reported in the literature in individuals affected with RECQL4-related conditions. Experimental studies and prediction algorithms are not available or were not evaluated, and the functional significance of this variant is currently unknown. In summary, the available evidence is currently insufficient to determine the role of this variant in disease. Therefore, it has been classified as a Variant of Uncertain Significance.